The following is an entry in ClinVar:

ClinVar aggregate classification (germline): Uncertain significance (1 of 4 stars; one submission).

Allele frequency attached by ClinVar (database versions not stated): gnomAD exomes below 0.00001; TOPMed 0.00003; gnomAD 0.00005; ESP Exome Variant Server 0.00008.

Submission:

Labcorp Genetics (formerly Invitae), Labcorp
Classification: Uncertain significance. Last evaluated: 2023-07-17. Review status: criteria provided, single submitter. Criteria: Invitae Variant Classification Sherloc (09022015). Collection method: clinical testing. Allele origin: germline.
Comment: In summary, the available evidence is currently insufficient to determine the role of this variant in disease. Therefore, it has been classified as a Variant of Uncertain Significance. This variant has not been reported in the literature in individuals affected with SLC51B-related conditions. This variant is present in population databases (no rsID available, gnomAD 0.008%). This sequence change creates a premature translational stop signal (p.Gln105Argfs*6) in the SLC51B gene. While this is not anticipated to result in nonsense mediated decay, it is expected to disrupt the last 24 amino acid(s) of the SLC51B protein.

NM_178859.4(SLC51B):c.314del (p.Gln105fs)

Genes: RASL12 (RAS like family 12; minus strand), SLC51B (SLC51 subunit beta; plus strand). Cytogenetic location: 15q22.31.
Variant type: Deletion.
Coding change: c.314del on transcript NM_178859.4 (MANE Select); coding-DNA position 314, one base deleted (A; older notation c.314delA).
Protein change: p.Gln105fs; shifts the reading frame from glutamine 105.
Molecular consequence: frameshift variant.
Genome position (GRCh38, 1-based): chr15:65,053,091, A deleted. VCF-style (leftmost placement, unchanged base first): chr15-65053090-CA-C. GRCh37 (hg19) VCF-style: chr15-65345428-CA-C.
Other names: short protein forms Q105fs.
Identifiers: ClinVar variation 2715992 (VCV002715992.3), dbSNP rs1362329653, ClinGen allele CA490827414.